The following is an entry in ClinVar:

NM_006014.5(LAGE3):c.116dup (p.Ala40fs)

Genes: LAGE3 (L antigen family member 3; minus strand), LOC130068876 (ATAC-STARR-seq lymphoblastoid silent region 21109; plus strand). Cytogenetic location: Xq28.
Variant type: Duplication.
Coding change: c.116dup on transcript NM_006014.5 (MANE Select); coding-DNA position 116, one base duplicated (C; older notation c.116dupC).
Protein change: p.Ala40fs; shifts the reading frame from alanine 40.
Molecular consequence: frameshift variant.
Genome position (GRCh38, 1-based): chrX:154,478,800, G duplicated on the plus strand (C on the coding strand, the reverse complement: LAGE3 is on the minus strand); the first of 5 consecutive G bases (chrX:154,478,800-154,478,804); duplicating any one gives the same sequence. VCF-style (leftmost placement, unchanged base first): chrX-154478799-T-TG. GRCh37 (hg19) VCF-style: chrX-153707138-T-TG.
Other names: short protein forms A40fs.
Identifiers: ClinVar variation 2429571 (VCV002429571.2), dbSNP rs1557211447, ClinGen allele CA1138574812.
Genomic context (GRCh38, chrX:154,478,799, plus strand): 5'-CCGCATTCGTGACCCCCTGGCCGCAGACGCGGCGTCTCTGCCCGGACCTGGCGCGTGCGC[T>TG]GGGGGAGCTCCACCGGCCGGAGCTGCGGCTGTGTCCACGCCCCCGCGGCAGCTGTGGCCA-3'

ClinVar aggregate classification (germline): Uncertain significance. Review status: criteria provided, multiple submitters, no conflicts (2 of 4 stars). 2 submissions from 2 submitters: Uncertain significance (2). Last evaluated 2024-11-04.

Submissions (2):

Blueprint Genetics
Classification: Uncertain significance. Last evaluated: 2024-11-04. Review status: criteria provided, single submitter. Criteria: ACMG Guidelines, 2015. Collection method: clinical testing. Allele origin: germline.

GeneDx
Classification: Uncertain significance. Last evaluated: 2022-08-11. Review status: criteria provided, single submitter. Criteria: GeneDx Variant Classification Process June 2021. Collection method: clinical testing. Allele origin: germline. Affected: yes.
Comment: Not observed at significant frequency in large population cohorts (gnomAD); Frameshift variant predicted to result in protein truncation as the last 104 amino acids are replaced with 71 different amino acids, although loss-of-function variants have not been reported downstream of this position in the protein; Has not been previously published as pathogenic or benign to our knowledge